The following is an entry in ClinVar:

ClinVar aggregate classification (germline): Conflicting classifications of pathogenicity. Review status: criteria provided, conflicting classifications (1 of 4 stars). 5 submissions from 5 submitters: Uncertain significance (1); Benign (1); Likely benign (3). Last evaluated 2026-01-07.

Conditions:
L-2-hydroxyglutaric aciduria (L2HGA). Identifiers: Orphanet 79314, MedGen C1855995, MONDO:0009370, OMIM 236792, HP:0040144.
Inborn genetic diseases. Identifiers: MedGen C0950123, MeSH D030342.

Allele frequency attached by ClinVar (database versions not stated): TOPMed 0.00008; gnomAD exomes 0.00013 and 0.00030; ExAC 0.00026; 1000 Genomes Project 30x 0.00078; 1000 Genomes Project 0.00100.
gnomAD v4.1: 209 of 1,613,920 alleles (0.013%); highest among the groups gnomAD compares: East Asian, 0.39%; 1 homozygote.

Submissions (5):

Labcorp Genetics (formerly Invitae), Labcorp
Classification: Likely benign for L-2-hydroxyglutaric aciduria. Last evaluated: 2026-01-07. Review status: criteria provided, single submitter. Criteria: Invitae Variant Classification Sherloc (09022015). Collection method: clinical testing. Allele origin: germline.

Athena Diagnostics
Classification: Benign. Last evaluated: 2024-12-13. Review status: criteria provided, single submitter. Criteria: Athena Diagnostics Criteria. Collection method: clinical testing. Allele origin: unknown.
Comment: The frequency of this variant in the general population is higher than would generally be expected for pathogenic variants in this gene.

CeGaT Center for Human Genetics Tuebingen
Classification: Likely benign. Last evaluated: 2024-06-01. Review status: criteria provided, single submitter. Criteria: CeGaT Center For Human Genetics Tuebingen Variant Classification Criteria Version 2. Collection method: clinical testing. Allele origin: germline. Affected: yes. Observed: 1 variant allele.
Comment: L2HGDH: BP4

Ambry Genetics
Classification: Likely benign for Inborn genetic diseases. Last evaluated: 2023-09-13. Review status: criteria provided, single submitter. Criteria: Ambry Variant Classification Scheme 2023. Collection method: clinical testing. Allele origin: germline.

Department of Pathology and Laboratory Medicine, Sinai Health System
Classification: Uncertain significance for L-2-hydroxyglutaric aciduria. Last evaluated: 2021-08-10. Review status: criteria provided, single submitter. Criteria: ACMG Guidelines, 2015. Collection method: research. Allele origin: germline.

NM_024884.3(L2HGDH):c.830G>A (p.Arg277Gln)

Gene: L2HGDH (L-2-hydroxyglutarate dehydrogenase; minus strand). Cytogenetic location: 14q21.3.
Variant type: single nucleotide variant.
Coding change: c.830G>A on transcript NM_024884.3 (MANE Select); coding-DNA position 830, G replaced by A.
Protein change: p.Arg277Gln; replaces arginine 277 with glutamine.
Molecular consequence: missense variant.
Genome position (GRCh38, 1-based): chr14:50,269,239, C>T on the plus strand (G>A on the coding strand, the complement: L2HGDH is on the minus strand). VCF-style: chr14-50269239-C-T. GRCh37 (hg19) VCF-style: chr14-50735957-C-T.
Other names: c.830G>A (NM_024884.2); short protein forms R277Q.
Identifiers: ClinVar variation 1118087 (VCV001118087.29), dbSNP rs147866347, ClinGen allele CA7177878.
Genomic context (GRCh38, chr14:50,269,239, plus strand): 5'-TTTACAAGATAACATTTTTCTGGCTTCAAAAGCAGGTAATCTCCCCGGAATGGTACAATT[C>T]GAGGATCAGGAGTGCAGCCACTCAACTCTGAAATACGGTCTGAGTAAAGTCCTGCACATG-3'
Protein context (NP_079160.1, residues 267-287): SELSGCTPDP[Arg277Gln]IVPFRGDYLL